The following is an entry in ClinVar:

ClinVar aggregate classification (germline): Uncertain significance (1 of 4 stars; one submission).

Conditions:
Short-rib thoracic dysplasia 6 with or without polydactyly (SRTD6). Also called: POLYDACTYLY WITH NEONATAL CHONDRODYSTROPHY, TYPE II; Majewski Syndrome; SHORT RIB-POLYDACTYLY SYNDROME, TYPE IIA; SHORT-RIB THORACIC DYSPLASIA 6 WITH POLYDACTYLY; SHORT-RIB THORACIC DYSPLASIA 6 WITHOUT POLYDACTYLY. Identifiers: MedGen C0024507, MONDO:0009894, OMIM 263520.

Submission:

Labcorp Genetics (formerly Invitae), Labcorp
Classification: Uncertain significance for Short-rib thoracic dysplasia 6 with or without polydactyly. Last evaluated: 2024-04-26. Review status: criteria provided, single submitter. Criteria: Invitae Variant Classification Sherloc (09022015). Collection method: clinical testing. Allele origin: germline.
Comment: This sequence change replaces histidine, which is basic and polar, with arginine, which is basic and polar, at codon 330 of the NEK1 protein (p.His330Arg). This variant is not present in population databases (gnomAD no frequency). This variant has not been reported in the literature in individuals affected with NEK1-related conditions. Advanced modeling of protein sequence and biophysical properties (such as structural, functional, and spatial information, amino acid conservation, physicochemical variation, residue mobility, and thermodynamic stability) performed at Invitae indicates that this missense variant is not expected to disrupt NEK1 protein function with a negative predictive value of 95%. In summary, the available evidence is currently insufficient to determine the role of this variant in disease. Therefore, it has been classified as a Variant of Uncertain Significance.

NM_001199397.3(NEK1):c.989A>G (p.His330Arg)

Gene: NEK1 (NIMA related kinase 1; minus strand). Cytogenetic location: 4q33.
Variant type: single nucleotide variant.
Coding change: c.989A>G on transcript NM_001199397.3 (MANE Select); coding-DNA position 989, A replaced by G.
Protein change: p.His330Arg; replaces histidine 330 with arginine.
Molecular consequence: missense variant. On other transcripts: non-coding transcript variant (2).
Genome position (GRCh38, 1-based): chr4:169,576,959, T>C on the plus strand (A>G on the coding strand, the complement: NEK1 is on the minus strand). VCF-style: chr4-169576959-T-C. GRCh37 (hg19) VCF-style: chr4-170498110-T-C.
Other names: c.989A>G, p.His330Arg (NM_001199398.3, NM_001199399.3, NM_001199400.3 and 7 more transcripts); short protein forms H330R.
Identifiers: ClinVar variation 3637041 (VCV003637041.2).
Genomic context (GRCh38, chr4:169,576,959, plus strand): 5'-TTAACACATGGTATGTAACATGATCATACCTGTTTATGTTTTTGCAGTGGTTTCTTTTCG[T>C]GTAATTTTTTATCTCCATATTTCTTATATGCTAAAGGTATTCCATATTTAGCGGCAGGCT-3'
Protein context (NP_001186326.1, residues 320-340): AYKKYGDKKL[His330Arg]EKKPLQKHKQ